The following is an entry in ClinVar:

ClinVar aggregate classification (germline): Uncertain significance. Review status: criteria provided, multiple submitters, no conflicts (2 of 4 stars). 4 submissions from 4 submitters: Uncertain significance (4). Last evaluated 2026-04-01.

Conditions:
Usher syndrome type 3B. Also called: USHER SYNDROME, TYPE IIIB. Identifiers: MedGen C3281066, MONDO:0013788, OMIM 614504.

Allele frequency attached by ClinVar (database versions not stated): TOPMed below 0.00001; ExAC 0.00001; gnomAD 0.00001; gnomAD exomes 0.00001; ESP Exome Variant Server 0.00008.
gnomAD v4.1: 19 of 1,614,072 alleles (0.0012%); highest among the groups gnomAD compares: Non-Finnish European, 0.0015%; no homozygotes.

Submissions (4):

CeGaT Center for Human Genetics Tuebingen
Classification: Uncertain significance. Last evaluated: 2026-04-01. Review status: criteria provided, single submitter. Criteria: CeGaT Center For Human Genetics Tuebingen Variant Classification Criteria Version 2. Collection method: clinical testing. Allele origin: germline. Affected: yes. Observed: 1 variant allele.
Comment: HARS1: PM2

Labcorp Genetics (formerly Invitae), Labcorp
Classification: Uncertain significance for Usher syndrome type 3B. Last evaluated: 2024-12-10. Review status: criteria provided, single submitter. Criteria: Invitae Variant Classification Sherloc (09022015). Collection method: clinical testing. Allele origin: germline.
Comment: This sequence change replaces valine, which is neutral and non-polar, with methionine, which is neutral and non-polar, at codon 463 of the HARS protein (p.Val463Met). This variant is present in population databases (rs139699964, gnomAD 0.0009%). This variant has not been reported in the literature in individuals affected with HARS-related conditions. ClinVar contains an entry for this variant (Variation ID: 1680289). Invitae Evidence Modeling of protein sequence and biophysical properties (such as structural, functional, and spatial information, amino acid conservation, physicochemical variation, residue mobility, and thermodynamic stability) indicates that this missense variant is not expected to disrupt HARS protein function with a negative predictive value of 80%. In summary, the available evidence is currently insufficient to determine the role of this variant in disease. Therefore, it has been classified as a Variant of Uncertain Significance.

Blueprint Genetics
Classification: Uncertain significance. Last evaluated: 2024-10-30. Review status: criteria provided, single submitter. Criteria: ACMG Guidelines, 2015. Collection method: clinical testing. Allele origin: germline.

Ambry Genetics
Classification: Uncertain significance. Last evaluated: 2023-10-05. Review status: criteria provided, single submitter. Criteria: Ambry Variant Classification Scheme 2023. Collection method: clinical testing. Allele origin: germline.

NM_002109.6(HARS1):c.1387G>A (p.Val463Met)

Gene: HARS1 (histidyl-tRNA synthetase 1; minus strand). Cytogenetic location: 5q31.3.
Variant type: single nucleotide variant.
Coding change: c.1387G>A on transcript NM_002109.6 (MANE Select); coding-DNA position 1387, G replaced by A.
Protein change: p.Val463Met; replaces valine 463 with methionine.
Molecular consequence: missense variant.
Genome position (GRCh38, 1-based): chr5:140,674,750, C>T on the plus strand (G>A on the coding strand, the complement: HARS1 is on the minus strand). VCF-style: chr5-140674750-C-T. GRCh37 (hg19) VCF-style: chr5-140054335-C-T.
Other names: c.1267G>A, p.Val423Met (NM_001258040.3); c.1327G>A, p.Val443Met (NM_001258041.3); c.1207G>A, p.Val403Met (NM_001258042.3); c.1165G>A, p.Val389Met (NM_001289092.2); c.1045G>A, p.Val349Met (NM_001289093.2); c.1300G>A, p.Val434Met (NM_001289094.2); c.1387G>A (NM_002109.3); short protein forms V349M, V389M, V403M, V423M, V434M, V443M, V463M.
Identifiers: ClinVar variation 1680289 (VCV001680289.10), dbSNP rs139699964, ClinGen allele CA3443834.
Genomic context (GRCh38, chr5:140,674,750, plus strand): 5'-TCGTCACTGAACGGAGCTTGATGACCCCATCCTTGAGTTCCTGCTCGCCGATGATAGCCA[C>T]CAGTGGGATGCCTGCCTCCTCACAGTACTGTAACTGGTTCAGTAGCTTTGGGTTCTTCTT-3'
Protein context (NP_002100.2, residues 453-473): QYCEEAGIPL[Val463Met]AIIGEQELKD